The following is an entry in ClinVar:

ClinVar aggregate classification (germline): Pathogenic/Likely pathogenic. Review status: criteria provided, multiple submitters, no conflicts (2 of 4 stars). 2 submissions from 2 submitters: Pathogenic (1); Likely pathogenic (1). Last evaluated 2026-09-08.

Conditions:
Fabry disease. Also called: ALPHA-GALACTOSIDASE A DEFICIENCY; ANDERSON-FABRY DISEASE; CERAMIDE TRIHEXOSIDASE DEFICIENCY; GLA DEFICIENCY; HEREDITARY DYSTOPIC LIPIDOSIS; Ceramide trihexosidosis. Identifiers: Orphanet 324, MedGen C0002986, MONDO:0010526, OMIM 301500, HP:0001071. Disease mechanism: Fabry disease is due to inactivating mutations in the X-linked GLA gene resulting in deficiency of the enzyme Alpha Galactosidase-A., loss of function.

Submissions (2):

Genomenon, Inc
Classification: Likely pathogenic for Fabry disease. Last evaluated: 2026-09-08. Review status: criteria provided, single submitter. Criteria: Genomenon Sequence Variant Interpretation Standards - Updated. Collection method: curation. Allele origin: germline. Affected: yes.
Comment: GLA p.Glu341Asp (c.1023A>C) is a missense variant that changes the amino acid at codon 341 from Glutamic acid to Aspartic acid. This variant has been observed in at least one proband with clinical features consistent with Fabry disease (PMID:27657681;12175777). At least one functional study has demonstrated a substantial alteration in protein function relative to the wild-type (PMID:32023956;22004918;27657681;23935525). It is absent or not present at a significant frequency in gnomAD. In silico models predict that this variant is possibly or probably damaging. In conclusion, we classify GLA p.Glu341Asp (c.1023A>C) as a likely pathogenic variant.

Eurofins Ntd Llc (ga)
Classification: Pathogenic. Last evaluated: 2013-12-23. Review status: criteria provided, single submitter. Criteria: EGL Classification Definitions 2015. Collection method: clinical testing. Allele origin: germline. Observed: 4 variant alleles, 4 heterozygotes.

Literature cited by the submitters: PubMed 27657681 (cited by Genomenon, Inc); PubMed 12175777 (cited by Genomenon, Inc and Eurofins Ntd Llc (ga)); PubMed 32023956 (cited by Genomenon, Inc); PubMed 22004918 (cited by Genomenon, Inc and Eurofins Ntd Llc (ga)); PubMed 23935525 (cited by Genomenon, Inc).

NM_000169.3(GLA):c.1023A>C

Genes: GLA (galactosidase alpha; minus strand), RPL36A-HNRNPH2 (RPL36A-HNRNPH2 readthrough; plus strand). Cytogenetic location: Xq22.1.
Variant type: single nucleotide variant.
Coding change: c.1023A>C on transcript NM_000169.3 (MANE Select); coding-DNA position 1023, A replaced by C.
Molecular consequence: intron variant (on NM_001199973.2).
Genome position (GRCh38, 1-based): chrX:101,398,076, T>G on the plus strand (A>C on the coding strand, the complement: GLA is on the minus strand). VCF-style: chrX-101398076-T-G. GRCh37 (hg19) VCF-style: chrX-100653064-T-G.
Other names: c.1023A>C, p.Glu341Asp (LRG_672t1); c.300+2619T>G (NM_001199973.2); c.177+6254T>G (NM_001199974.2).
Identifiers: ClinVar variation 167136 (VCV000167136.7), dbSNP rs797044497, ClinGen allele CA273335.
Genomic context (GRCh38, chrX:101,398,076, plus strand): 5'-TCCACCAATCTCCTGCCGGTTTATCATAGCTACAGCCCAGGCTAAGCCTGAGAGAGGTCG[T>G]TCCCACACTTCAAAGTTGTCTCCCTGAAAAACCAAGAAAGTGTGGTTGCTTAGCAACTAG-3'